The following is an entry in ClinVar:

NM_173660.5(DOK7):c.1143del (p.Glu382fs)

Gene: DOK7 (docking protein 7; plus strand). Cytogenetic location: 4p16.3.
Variant type: Deletion.
Coding change: c.1143del on transcript NM_173660.5 (MANE Select); coding-DNA position 1143, one base deleted (C; older notation c.1143delC).
Protein change: p.Glu382fs; shifts the reading frame from glutamic acid 382.
Molecular consequence: frameshift variant. On other transcripts: 3 prime UTR variant (1).
Genome position (GRCh38, 1-based): chr4:3,493,129, C deleted; the last of 5 consecutive C bases (chr4:3,493,125-3,493,129); deleting any one gives the same sequence. VCF-style (leftmost placement, unchanged base first): chr4-3493124-GC-G. GRCh37 (hg19) VCF-style: chr4-3494851-GC-G.
Other names: c.1143delC (NM_173660.4); c.*364del (NM_001164673.2); c.213del, p.Glu72fs (NM_001256896.2); c.1143del, p.Glu382fs (NM_001301071.2); c.711del, p.Glu238fs (NM_001363811.2); short protein forms E238fs, E72fs, E382fs.
Identifiers: ClinVar variation 802049 (VCV000802049.17), dbSNP rs606231132, ClinGen allele CA2829376.

ClinVar aggregate classification (germline): Pathogenic. Review status: criteria provided, multiple submitters, no conflicts (2 of 4 stars). 8 submissions from 8 submitters: Pathogenic (8). Last evaluated 2026-01-14.

Conditions:
Fetal akinesia deformation sequence 3. Identifiers: MedGen C4760599, MONDO:0100103, OMIM 618389.
Congenital myasthenic syndrome (CMS). Also called: Congenital Myasthenic Syndromes. Identifiers: Orphanet 590, MedGen C0751882, MeSH D020294, MONDO:0018940.
Congenital myasthenic syndrome 10. Also called: Myasthenia, limb-girdle, familial. Identifiers: Orphanet 590, MedGen C1850792, MONDO:0009690, OMIM 254300.
Fetal akinesia deformation sequence 1 (FADS1). Also called: Fetal akinesia sequence; Pena-Shokeir syndrome type I. Identifiers: Orphanet 994, MedGen C1276035, MONDO:0100101, OMIM 208150, HP:0001989.
Ritscher-Schinzel syndrome 2. Identifiers: Orphanet 7, MedGen C4225419, MONDO:0010499, OMIM 300963.

Submissions (8):

Labcorp Genetics (formerly Invitae), Labcorp
Classification: Pathogenic for Congenital myasthenic syndrome 10; Fetal akinesia deformation sequence 1. Last evaluated: 2026-01-14. Review status: criteria provided, single submitter. Criteria: Invitae Variant Classification Sherloc (09022015). Collection method: clinical testing. Allele origin: germline.
Comment: This sequence change creates a premature translational stop signal (p.Glu382Serfs*74) in the DOK7 gene. While this is not anticipated to result in nonsense mediated decay, it is expected to disrupt the last 123 amino acid(s) of the DOK7 protein. The frequency data for this variant in the population databases is considered unreliable, as metrics indicate poor data quality at this position in the gnomAD database. This premature translational stop signal has been observed in individual(s) with clinical features of congenital myasthenic syndrome (PMID: 22661499; internal data). In at least one individual the data is consistent with being in trans (on the opposite chromosome) from a pathogenic variant. ClinVar contains an entry for this variant (Variation ID: 802049). For these reasons, this variant has been classified as Pathogenic.

Genomic Medicine Center of Excellence, King Faisal Specialist Hospital and Research Centre
Classification: Pathogenic for Ritscher-Schinzel syndrome 2. Last evaluated: 2025-09-10. Review status: criteria provided, single submitter. Criteria: ACMG Guidelines, 2015. Collection method: clinical testing. Allele origin: germline.

Baylor Genetics
Classification: Pathogenic for Fetal akinesia deformation sequence 3. Last evaluated: 2024-02-10. Review status: criteria provided, single submitter. Criteria: ACMG Guidelines, 2015. Collection method: clinical testing. Allele origin: unknown.

GeneDx
Classification: Pathogenic. Last evaluated: 2023-10-01. Review status: criteria provided, single submitter. Criteria: GeneDx Variant Classification Process June 2021. Collection method: clinical testing. Allele origin: germline. Affected: yes.
Comment: Frameshift variant predicted to result in protein truncation, as the last 123 amino acids are replaced with 73 different amino acids, and other loss-of-function variants have been reported downstream in HGMD; Not observed at significant frequency in large population cohorts (gnomAD); This variant is associated with the following publications: (PMID: 31618753, 22661499)

Women's Health and Genetics/Laboratory Corporation of America, LabCorp
Classification: Pathogenic for Congenital myasthenic syndrome. Last evaluated: 2022-06-17. Review status: criteria provided, single submitter. Criteria: LabCorp Variant Classification Summary - May 2015. Collection method: clinical testing. Allele origin: germline.
Comment: Variant summary: DOK7 c.1143delC (p.Glu382SerfsX74) results in a premature termination codon, predicted to cause a truncation of the encoded protein or absence of the protein due to nonsense mediated decay, which are commonly known mechanisms for disease. Truncations downstream of this position have been classified as pathogenic by our laboratory. The variant allele was found at a frequency of 2.5e-05 in 202922 control chromosomes (gnomAD). c.1143delC has been reported in the literature in homozygous and compound heterozygous individuals with the clinical features of Congenital Myasthenic Syndrome (example Cossins_2012, Ziats_2020). These data indicate that the variant may be associated with disease. To our knowledge, no experimental evidence demonstrating an impact on protein function has been reported. Three clinical diagnostic laboratories have submitted clinical-significance assessments for this variant to ClinVar after 2014 without evidence for independent evaluation. All laboratories classified the variant as pathogenic. Based on the evidence outlined above, the variant was classified as pathogenic.

Fulgent Genetics
Classification: Pathogenic for Congenital myasthenic syndrome 10; Fetal akinesia deformation sequence 3. Last evaluated: 2021-11-18. Review status: criteria provided, single submitter. Criteria: ACMG Guidelines, 2015. Collection method: clinical testing. Allele origin: unknown.

Mendelics
Classification: Pathogenic for Fetal akinesia deformation sequence 1. Last evaluated: 2019-05-28. Review status: criteria provided, single submitter. Criteria: Mendelics Assertion Criteria 2017. Collection method: clinical testing. Allele origin: unknown.

Revvity Omics, Revvity
Classification: Pathogenic. Last evaluated: 2019-03-07. Review status: criteria provided, single submitter. Criteria: ACMG Guidelines, 2015. Collection method: clinical testing. Allele origin: germline.

Literature cited by the submitters: PubMed 22661499 (cited by Labcorp Genetics (formerly Invitae), Labcorp and Women's Health and Genetics/Laboratory Corporation of America, LabCorp); PubMed 31618753 (cited by Women's Health and Genetics/Laboratory Corporation of America, LabCorp).